The following is an entry in ClinVar:

NM_004004.6(GJB2):c.334_335del (p.Lys112fs)

Gene: GJB2 (gap junction protein beta 2; minus strand). Cytogenetic location: 13q12.11.
Variant type: Deletion.
Coding change: c.334_335del on transcript NM_004004.6 (MANE Select); coding-DNA positions 334 to 335, 2 bases deleted (AA; older notation c.334_335delAA).
Protein change: p.Lys112fs; shifts the reading frame from lysine 112.
Molecular consequence: frameshift variant.
Genome position (GRCh38, 1-based): chr13:20,189,247-20,189,248, TT deleted on the plus strand (AA on the coding strand, the reverse complement: GJB2 is on the minus strand); deleting any 2 consecutive bases within chr13:20,189,247-20,189,249 gives the same sequence; the c. name uses the placement nearest the transcript's 3' end. VCF-style (leftmost placement, unchanged base first): chr13-20189246-CTT-C. GRCh37 (hg19) VCF-style: chr13-20763385-CTT-C.
Other names: c.334_335delAA (NM_004004.6); c.333_334delAA (NM_004004.5); short protein forms K112fs.
Identifiers: ClinVar variation 189051 (VCV000189051.29), dbSNP rs756484720, ClinGen allele CA274322.
Genomic context (GRCh38, chr13:20,189,246, plus strand): 5'-CAGGGAGCCTTCGATGCGGACCTTCTGGGTTTTGATCTCCTCGATGTCCTTAAATTCACT[CTT>C]TATCTCCCCCTTGATGAACTTCCTCTTCTTCTCATGTCTCCGGTAGGCCACGTGCATGGC-3'

ClinVar aggregate classification (germline): Pathogenic. Review status: criteria provided, multiple submitters, no conflicts (2 of 4 stars). 16 submissions from 16 submitters: Pathogenic (14). 2 of the submissions do not count toward it. Last evaluated 2026-07-17.

Conditions:
Monogenic hearing loss.
GJB2-related disorder. Also called: GJB2-related condition; GJB2-related disorders. Identifiers: MedGen CN382183, MONDO:1060236.
Hearing loss. Identifiers: MedGen C3887873.
Rare genetic deafness. Identifiers: Orphanet 96210, MedGen C5680250.
Autosomal dominant keratitis-ichthyosis-hearing loss syndrome. Also called: Senter syndrome; KID SYNDROME, AUTOSOMAL DOMINANT; HID SYNDROME. Identifiers: Orphanet 477, MedGen C0265336, MONDO:0007850, OMIM 148210.
Autosomal recessive nonsyndromic hearing loss 1A (DFNB1A). Also called: GJB2-Related Autosomal Recessive Nonsyndromic Hearing Loss; GJB6-Related DFNB 1 Nonsyndromic Hearing Loss and Deafness; Connexin 26 deafness; Deafness nonsyndromic, Connexin 26 linked; Nonsyndromic Hearing Loss and Deafness, DFNB1; Deafness, autosomal recessive 1A. Identifiers: Orphanet 90636, MedGen C2673759, MONDO:0009076, OMIM 220290.
Palmoplantar keratoderma-deafness syndrome. Also called: Keratoderma palmoplantar, with deafness; Palmoplantar keratoderma and sensorineural deafness; Hereditary palmoplantar keratoderma with deafness (subtype); Focal palmoplantar keratoderma with sensorineural deafness (subtype); Diffuse palmoplantar keratoderma with deafness (subtype). Identifiers: Orphanet 2202, MedGen C1835672, MONDO:0007852, OMIM 148350.
Ichthyosis, hystrix-like, with hearing loss. Also called: Hystrix-like ichthyosis with deafness. Identifiers: Orphanet 477, MedGen C1865234, MONDO:0011245.
Knuckle pads, deafness AND leukonychia syndrome. Also called: Bart-Pumphrey syndrome. Identifiers: Orphanet 2698, MedGen C0266004, MONDO:0007866, OMIM 149200.
Autosomal dominant nonsyndromic hearing loss 3A. Identifiers: Orphanet 90635, MedGen C2675750, MONDO:0011103, OMIM 601544.
X-linked mixed hearing loss with perilymphatic gusher. Also called: Gusher syndrome; NANCE DEAFNESS; PERILYMPHATIC GUSHER-DEAFNESS SYNDROME; SENSORINEURAL DEAFNESS, PROFOUND, WITH OR WITHOUT A CONDUCTIVE COMPONENT, ASSOCIATED WITH A UNIQUE DEVELOPMENTAL ABNORMALITY OF THE EAR; Deafness, X-linked 2. Identifiers: Orphanet 383, MedGen C1844678, MONDO:0010576, OMIM 304400.
Mutilating keratoderma (VOWNKL). Also called: Keratoderma hereditarium mutilans. Identifiers: Orphanet 494, MedGen C0265964, MONDO:0007422, OMIM 124500.
Nonsyndromic genetic hearing loss. Also called: Nonsyndromic hearing loss and deafness; Non-syndromic genetic deafness; Nonsyndromic genetic deafness. Identifiers: Orphanet 87884, MedGen C5680182, MONDO:0019497.

Submissions 1 to 9 of 16:

PreventionGenetics, part of Exact Sciences
Classification: Pathogenic for GJB2-related condition. Last evaluated: 2026-07-17. Review status: criteria provided, single submitter. Criteria: ACMG Guidelines, 2015. Collection method: clinical testing. Allele origin: germline.
Comment: The GJB2 c.334_335delAA variant is predicted to result in a frameshift and premature protein termination (p.Lys112Glufs*2). This variant, alternatively referred to as 333_334del(AA) in the literature, has been reported in the compound heterozygous state in multiple individuals with hearing loss (Kelley et al. 1998. PubMed ID: 9529365; Dodson et al. 2011. PubMed ID: 21465647; Elbagoury et al. 2025. PubMed ID: 40100472). This variant is reported in 0.0029% of alleles in individuals of Latino descent in gnomAD. Frameshift variants in GJB2 are expected to be pathogenic. This variant is interpreted as pathogenic.

GeneDx
Classification: Pathogenic. Last evaluated: 2025-11-20. Review status: criteria provided, single submitter. Criteria: GeneDx Variant Classification Process June 2021. Collection method: clinical testing. Allele origin: germline. Affected: yes.
Comment: Reported in association with hearing loss in additional cases in published literature (PMID: 21465647, 17666888, 26561413); however, patient clinical information limited or not provided; Frameshift variant predicted to result in abnormal protein length as the last 115 amino acids are replaced with 1 different amino acid, and other similar variants have been reported in HGMD; This variant is associated with the following publications: (PMID: 31215297, 26561413, 27177978, 23141775, 9529365, 26990548, 25587757, 22695344, 17666888, 12172394, 29257206, 27941975, 33096615, 31589614, 34599368, 24158611, 15954104, 21465647, 40100472, 34599366)

Genetics Laboratory, Great Ormond Street Hospital NHS Foundation Trust, North Thames Genomic Laboratory Hub
Classification: Pathogenic for Monogenic hearing loss. Last evaluated: 2025-07-18. Review status: criteria provided, single submitter. Criteria: ACGS Best Practice Guidelines for Variant Classification in Rare Disease 2024 v1.2. Collection method: clinical testing. Allele origin: germline. Affected: yes.
Comment: PM2_moderate, PVS1_strong, PP1_moderate, PM3_moderate

Natera, Inc.
Classification: Pathogenic for Autosomal recessive deafness type 1A. Last evaluated: 2025-03-24. Review status: criteria provided, single submitter. Criteria: Natera Variant Classification Schema (03/2026). Collection method: clinical testing. Allele origin: germline.
Comment: The c.334_335delAA variant in GJB2 is a frameshift variant predicted to shift the reading frame beginning at codon 112 and leads to a stop codon 2 codons downstream. This variant is expected to result in nonsense mediated decay, truncation, or a dysfunctional protein product. This variant is rare in the general population with a frequency below the threshold expected for the associated phenotype(s). This variant has been observed in one or more individuals affected with the associated recessive disease, as either homozygous or compound heterozygous with a second variant (PMID: 15954104). Additionally, this variant has been observed to segregate in affected family members (PMID: 15954104). Given the available evidence, this variant is classified as Pathogenic.

Labcorp Genetics (formerly Invitae), Labcorp
Classification: Pathogenic. Last evaluated: 2024-12-02. Review status: criteria provided, single submitter. Criteria: Invitae Variant Classification Sherloc (09022015). Collection method: clinical testing. Allele origin: germline.
Comment: This sequence change creates a premature translational stop signal (p.Lys112Glufs*2) in the GJB2 gene. While this is not anticipated to result in nonsense mediated decay, it is expected to disrupt the last 115 amino acid(s) of the GJB2 protein. This variant is present in population databases (rs756484720, gnomAD 0.003%). This premature translational stop signal has been observed in individual(s) with non-syndromic deafness (PMID: 9529365, 23141775). It has also been observed to segregate with disease in related individuals. This variant is also known as c.333-334delAA. ClinVar contains an entry for this variant (Variation ID: 189051). This variant disrupts a region of the GJB2 protein in which other variant(s) (p.Gln124*) have been determined to be pathogenic (PMID: 9600457). This suggests that this is a clinically significant region of the protein, and that variants that disrupt it are likely to be disease-causing. For these reasons, this variant has been classified as Pathogenic.

3billion
Classification: Pathogenic for Autosomal recessive nonsyndromic hearing loss 1A. Last evaluated: 2024-02-27. Review status: criteria provided, single submitter. Criteria: ACMG Guidelines, 2015. Collection method: clinical testing. Allele origin: germline. Affected: yes.
Comment: The variant is observed at an extremely low frequency in the gnomAD v2.1.1 dataset (total allele frequency: <0.001%). Predicted Consequence/Location: Frameshift: predicted to result in a loss or disruption of normal protein function through protein truncation. Multiple pathogenic variants are reported in the predicted truncated region. The variant has been reported at least twice as pathogenic with clinical assertions and evidence for the classification (ClinVar ID: VCV000189051 /PMID: 9529365). Therefore, this variant is classified as Pathogenic according to the recommendation of ACMG/AMP guideline.

Laboratory of Medical Genetics, National & Kapodistrian University of Athens
Classification: Pathogenic for Autosomal recessive nonsyndromic hearing loss 1A. Last evaluated: 2024-02-01. Review status: criteria provided, single submitter. Criteria: ACMG Guidelines, 2015. Collection method: curation. Allele origin: germline. Affected: no.

Athena Diagnostics
Classification: Pathogenic. Last evaluated: 2023-11-29. Review status: criteria provided, single submitter. Criteria: Athena Diagnostics Criteria. Collection method: clinical testing. Allele origin: unknown.
Comment: This variant is expected to result in the loss of a functional protein. The frequency of this variant in the general population is consistent with pathogenicity. This variant has been identified in at least one individual with clinical features associated with nonsyndromic hearing loss and deafness.

Blueprint Genetics
Classification: Pathogenic for GJB2-related disorders. Last evaluated: 2023-09-12. Review status: criteria provided, single submitter. Criteria: ACMG Guidelines, 2015. Collection method: clinical testing. Allele origin: germline. Affected: yes. Observed: 3 variant alleles.